The following is an entry in ClinVar:

NM_144736.5(NDUFAF7):c.1290C>T (p.Ser430=)

Gene: NDUFAF7 (NADH:ubiquinone oxidoreductase complex assembly factor 7; plus strand). Cytogenetic location: 2p22.2.
Variant type: single nucleotide variant.
Coding change: c.1290C>T on transcript NM_144736.5 (MANE Select); coding-DNA position 1290, C replaced by T.
Protein change: p.Ser430=; no amino-acid change (serine 430 retained).
Molecular consequence: synonymous variant. On other transcripts: non-coding transcript variant (10).
Genome position (GRCh38, 1-based): chr2:37,248,314, C>T. VCF-style: chr2-37248314-C-T. GRCh37 (hg19) VCF-style: chr2-37475457-C-T.
Other names: c.996C>T, p.Ser332= (NM_001083946.2); c.1167C>T, p.Ser389= (NM_001350024.2); c.1086C>T, p.Ser362= (NM_001350025.2); c.1077C>T, p.Ser359= (NM_001350027.2).
Identifiers: ClinVar variation 516378 (VCV000516378.8), dbSNP rs549258651, ClinGen allele CA1617457.

ClinVar aggregate classification (germline): Likely benign. Review status: criteria provided, multiple submitters, no conflicts (2 of 4 stars). 2 submissions from 2 submitters: Likely benign (2). Last evaluated 2025-10-02.

Allele frequency attached by ClinVar (database versions not stated): TOPMed 0.00008; gnomAD 0.00009 and 0.00011; gnomAD exomes 0.00010; ExAC 0.00011.
gnomAD v4.1: 157 of 1,614,080 alleles (0.0097%); highest among the groups gnomAD compares: South Asian, 0.024%; no homozygotes.

Submissions (2):

Labcorp Genetics (formerly Invitae), Labcorp
Classification: Likely benign. Last evaluated: 2025-10-02. Review status: criteria provided, single submitter. Criteria: Invitae Variant Classification Sherloc (09022015). Collection method: clinical testing. Allele origin: germline.

GeneDx
Classification: Likely benign. Last evaluated: 2017-11-21. Review status: criteria provided, single submitter. Criteria: GeneDx Variant Classification (06012015). Collection method: clinical testing. Allele origin: germline. Affected: yes.
Comment: This variant is considered likely benign or benign based on one or more of the following criteria: it is a conservative change, it occurs at a poorly conserved position in the protein, it is predicted to be benign by multiple in silico algorithms, and/or has population frequency not consistent with disease.